The following is an entry in ClinVar:

ClinVar aggregate classification (germline): Uncertain significance (1 of 4 stars; one submission).

Submission:

Labcorp Genetics (formerly Invitae), Labcorp
Classification: Uncertain significance. Last evaluated: 2022-02-13. Review status: criteria provided, single submitter. Criteria: Invitae Variant Classification Sherloc (09022015). Collection method: clinical testing. Allele origin: germline.
Comment: This variant results in a copy number gain of the genomic region encompassing exon(s) 11-13 of the CLCN4 gene. This region includes the termination codon of the gene. This copy number gain extends beyond the assayed region for this gene and therefore may encompass additional genes. As the precise location of this event is unknown, it may be in tandem or it may be located elsewhere in the genome. This variant has not been reported in the literature in individuals affected with CLCN4-related conditions. Experimental studies and prediction algorithms are not available or were not evaluated, and the functional significance of this variant is currently unknown. In summary, the available evidence is currently insufficient to determine the role of this variant in disease. Therefore, it has been classified as a Variant of Uncertain Significance.

NC_000023.10:g.(?_10181701)_(10201624_?)dup

Gene: CLCN4 (chloride voltage-gated channel 4; plus strand). Cytogenetic location: Xp22.2.
Variant type: Duplication.
Identifiers: ClinVar variation 2424251 (VCV002424251.4).